The following is an entry in ClinVar:

ClinVar aggregate classification (germline): Likely benign (1 of 4 stars; one submission).

Conditions:
Familial cancer of breast. Also called: hereditary breast carcinoma; Hereditary breast cancer; BREAST CANCER, FAMILIAL. Identifiers: Orphanet 227535, MedGen C0346153, MONDO:0016419, OMIM 114480. Disease mechanism: loss of function.

Submission:

Myriad Genetics, Inc.
Classification: Likely benign for Familial cancer of breast. Last evaluated: 2024-07-24. Review status: criteria provided, single submitter. Criteria: Myriad Autosomal Dominant, Autosomal Recessive and X-Linked Classification Criteria (2023). Collection method: clinical testing. Allele origin: unknown.
Comment: This variant is considered likely benign. This variant is intronic and is not expected to impact mRNA splicing.

NM_000465.4(BARD1):c.1314+9C>T

Gene: BARD1 (BRCA1 associated RING domain 1; minus strand). Cytogenetic location: 2q35.
Variant type: single nucleotide variant.
Coding change: c.1314+9C>T on transcript NM_000465.4 (MANE Select); 9 bases into the intron after coding-DNA position 1314, C replaced by T.
Molecular consequence: intron variant.
Genome position (GRCh38, 1-based): chr2:214,780,551, G>A on the plus strand (C>T on the coding strand, the complement: BARD1 is on the minus strand). VCF-style: chr2-214780551-G-A. GRCh37 (hg19) VCF-style: chr2-215645275-G-A.
Other names: c.159-27996C>T (NM_001282548.2); c.1257+9C>T (NM_001282543.2); c.215+16510C>T (NM_001282545.2); c.364+11746C>T (NM_001282549.2).
Identifiers: ClinVar variation 3378723 (VCV003378723.1).
Genomic context (GRCh38, chr2:214,780,551, plus strand): 5'-AAAAACTGCAAAGAAATTGCTTTATAGTTGGCCTCATTCTGAGATGGTATTTCAGAGTAA[G>A]CATCCTACCTTAATAGAAGCAATATGGAGCAAAGTCTCTCCTCTATGATTTCTTTTCACA-3'